The following is an entry in ClinVar:

NM_006096.4(NDRG1):c.1062_1091del (p.340_349TRSRSHTSEG[2])

Gene: NDRG1 (N-myc downstream regulated 1; minus strand). Cytogenetic location: 8q24.22.
Variant type: Deletion.
Coding change: c.1062_1091del on transcript NM_006096.4 (MANE Select); coding-DNA positions 1062 to 1091, 30 bases deleted (CCACACCAGCGAGGGCACCCGCAGCCGCTC).
Protein change: p.340_349TRSRSHTSEG[2].
Molecular consequence: inframe deletion.
Genome position (GRCh38, 1-based): chr8:133,238,972-133,239,001, GAGCGGCTGCGGGTGCCCTCGCTGGTGTGG deleted on the plus strand (CCACACCAGCGAGGGCACCCGCAGCCGCTC on the coding strand, the reverse complement: NDRG1 is on the minus strand); deleting any 30 consecutive bases within chr8:133,238,972-133,239,009 gives the same sequence; the c. name uses the placement nearest the transcript's 3' end. VCF-style (leftmost placement, unchanged base first): chr8-133238971-CGAGCGGCTGCGGGTGCCCTCGCTGGTGTGG-C. GRCh37 (hg19) VCF-style: chr8-134251214-CGAGCGGCTGCGGGTGCCCTCGCTGGTGTGG-C.
Other names: c.1062_1091del30 (NM_006096.3); c.1062_1091del, p.340_349TRSRSHTSEG[2] (NM_001135242.2, NM_001374845.1, NM_001374846.1); c.864_893del, p.274_283TRSRSHTSEG[2] (NM_001258432.2, NM_001374847.1); c.819_848del, p.259_268TRSRSHTSEG[2] (NM_001258433.2); c.1113_1142del, p.357_366TRSRSHTSEG[2] (NM_001374844.1).
Identifiers: ClinVar variation 810317 (VCV000810317.47), dbSNP rs763499117, ClinGen allele CA4886422.

ClinVar aggregate classification (germline): Uncertain significance. Review status: criteria provided, multiple submitters, no conflicts (2 of 4 stars). 4 submissions from 4 submitters: Uncertain significance (3). 1 of the submissions does not count toward it. Last evaluated 2023-01-07.

Conditions:
Inborn genetic diseases. Identifiers: MedGen C0950123, MeSH D030342.
Charcot-Marie-Tooth disease type 4D. Also called: Charcot-Marie-Tooth Neuropathy Type 4D; NEUROPATHY, HEREDITARY MOTOR AND SENSORY, LOM TYPE; CHARCOT-MARIE-TOOTH DISEASE, DEMYELINATING, TYPE 4D; CHARCOT-MARIE-TOOTH DISEASE, DEMYELINATING, AUTOSOMAL RECESSIVE, TYPE 4D. Identifiers: Orphanet 99950, MedGen C1832334, MONDO:0011085, OMIM 601455.
Charcot-Marie-Tooth disease type 4. Also called: Charcot-Marie-Tooth, Type 4; Charcot-Marie-Tooth disease, type IV. Identifiers: Orphanet 64749, MedGen C4082197, MONDO:0018995.

Submissions (4):

Ambry Genetics
Classification: Uncertain significance for Inborn genetic diseases. Last evaluated: 2023-01-07. Review status: criteria provided, single submitter. Criteria: Ambry Variant Classification Scheme 2023. Collection method: clinical testing. Allele origin: germline.
Comment: The c.1062_1091del30 (p.T360_G369del) alteration is located in exon 16 (coding exon 15) of the NDRG1 gene. This alteration consists of an in-frame deletion of 30 nucleotides between nucleotide positions c.1062 and c.1091, resulting in the deletion of 10 residues. Based on insufficient or conflicting evidence, the clinical significance of this alteration remains unclear.

Labcorp Genetics (formerly Invitae), Labcorp
Classification: Uncertain significance for Charcot-Marie-Tooth disease type 4. Last evaluated: 2022-08-23. Review status: criteria provided, single submitter. Criteria: Invitae Variant Classification Sherloc (09022015). Collection method: clinical testing. Allele origin: germline.
Comment: This variant, c.1062_1091del, results in the deletion of 10 amino acid(s) of the NDRG1 protein (p.Thr360_Gly369del), but otherwise preserves the integrity of the reading frame. This variant is present in population databases (rs763499117, gnomAD 0.06%). This variant has not been reported in the literature in individuals affected with NDRG1-related conditions. ClinVar contains an entry for this variant (Variation ID: 810317). Experimental studies and prediction algorithms are not available or were not evaluated, and the functional significance of this variant is currently unknown. In summary, the available evidence is currently insufficient to determine the role of this variant in disease. Therefore, it has been classified as a Variant of Uncertain Significance.

CeGaT Center for Human Genetics Tuebingen
Classification: Uncertain significance. Last evaluated: 2019-03-01. Review status: criteria provided, single submitter. Criteria: CeGaT Center For Human Genetics Tuebingen Variant Classification Criteria Version 2. Collection method: clinical testing. Allele origin: germline. Affected: yes. Observed: 2 variant alleles.

Natera, Inc.
Classification: Uncertain significance for Charcot-Marie-Tooth disease type 4D. Last evaluated: 2020-09-09. Review status: no assertion criteria provided. Collection method: clinical testing. Allele origin: germline. Not counted in ClinVar's aggregate classification.